The following is an entry in ClinVar:

NM_001372044.2(SHANK3):c.1606C>G (p.Arg536Gly)

Gene: SHANK3 (SH3 and multiple ankyrin repeat domains 3; plus strand). Cytogenetic location: 22q13.33.
Variant type: single nucleotide variant.
Coding change: c.1606C>G on transcript NM_001372044.2 (MANE Select); coding-DNA position 1606, C replaced by G.
Protein change: p.Arg536Gly; replaces arginine 536 with glycine.
Molecular consequence: missense variant.
Genome position (GRCh38, 1-based): chr22:50,697,598, C>G. VCF-style: chr22-50697598-C-G. GRCh37 (hg19) VCF-style: chr22-51136026-C-G.
Other names: c.1381C>G (NM_033517.1); short protein forms R536G.
Identifiers: ClinVar variation 1230417 (VCV001230417.29), dbSNP rs1043729674, ClinGen allele CA325553906.

ClinVar aggregate classification (germline): Benign/Likely benign. Review status: criteria provided, multiple submitters, no conflicts (2 of 4 stars). 3 submissions from 3 submitters: Benign (1); Likely benign (2). Last evaluated 2026-07-01.

Conditions:
Inborn genetic diseases. Identifiers: MedGen C0950123, MeSH D030342.

Allele frequency attached by ClinVar (database versions not stated): TOPMed 0.00026; gnomAD exomes 0.00034; gnomAD 0.01816 and 0.02423.

Submissions (3):

CeGaT Center for Human Genetics Tuebingen
Classification: Likely benign. Last evaluated: 2026-07-01. Review status: criteria provided, single submitter. Criteria: CeGaT Center For Human Genetics Tuebingen Variant Classification Criteria Version 2. Collection method: clinical testing. Allele origin: germline. Affected: yes. Observed: 2 variant alleles.
Comment: SHANK3: BS1

Ambry Genetics
Classification: Likely benign for Inborn genetic diseases. Last evaluated: 2023-02-15. Review status: criteria provided, single submitter. Criteria: Ambry Variant Classification Scheme 2023. Collection method: clinical testing. Allele origin: germline.

GeneDx
Classification: Benign. Last evaluated: 2021-02-22. Review status: criteria provided, single submitter. Criteria: GeneDx Variant Classification Process June 2021. Collection method: clinical testing. Allele origin: germline. Affected: yes.